The following is an entry in ClinVar:

NM_001256071.3(RNF213):c.11125G>A (p.Val3709Ile)

Genes: RNF213 (ring finger protein 213; plus strand), RNF213-AS1 (RNF213 antisense RNA 1; minus strand). Cytogenetic location: 17q25.3.
Variant type: single nucleotide variant.
Coding change: c.11125G>A on transcript NM_001256071.3 (MANE Select); coding-DNA position 11125, G replaced by A.
Protein change: p.Val3709Ile; replaces valine 3709 with isoleucine.
Molecular consequence: missense variant.
Genome position (GRCh38, 1-based): chr17:80,360,131, G>A. VCF-style: chr17-80360131-G-A. GRCh37 (hg19) VCF-style: chr17-78333931-G-A.
Other names: c.11272G>A, p.Val3758Ile (NM_001410195.1, NM_020914.5); short protein forms V3758I, V3709I.
Identifiers: ClinVar variation 4990587 (VCV004990587.1).

ClinVar aggregate classification (germline): Uncertain significance (1 of 4 stars; one submission).

Conditions:
RNF213-related disorder. Also called: RNF213-related condition.

gnomAD v4.1: 52 of 1,613,932 alleles (0.0032%); highest among the groups gnomAD compares: Non-Finnish European, 0.0035%; no homozygotes.

Submission:

PreventionGenetics, part of Exact Sciences
Classification: Uncertain significance for RNF213-related condition. Last evaluated: 2026-09-24. Review status: criteria provided, single submitter. Criteria: ACMG Guidelines, 2015. Collection method: clinical testing. Allele origin: germline.
Comment: The RNF213 c.11125G>A variant is predicted to result in the amino acid substitution p.Val3709Ile. To our knowledge, this variant has not been reported in the literature. This variant is reported in 0.0035% of alleles in individuals of European (Non-Finnish) descent in gnomAD. At this time, the clinical significance of this variant is uncertain due to the absence of conclusive functional and genetic evidence.